The following is an entry in ClinVar:

ClinVar aggregate classification (germline): Uncertain significance (1 of 4 stars; one submission).

Conditions:
SEMA3C-related disorder. Also called: SEMA3C-related condition.

gnomAD v4.1: 6 of 1,613,286 alleles (0.00037%); highest among the groups gnomAD compares: Non-Finnish European, 0.00051%; no homozygotes.

Submission:

PreventionGenetics, part of Exact Sciences
Classification: Uncertain significance for SEMA3C-related condition. Last evaluated: 2026-09-02. Review status: criteria provided, single submitter. Criteria: ACMG Guidelines, 2015. Collection method: clinical testing. Allele origin: germline.
Comment: The SEMA3C c.1912C>T variant is predicted to result in premature protein termination (p.Arg638*). To our knowledge, this variant has not been reported in the literature or in a large population database, indicating this variant is rare. This variant is located in the final exon of SEMA3C and is not predicted to undergo nonsense mediated decay. At this time, the clinical significance of this variant is uncertain due to the absence of conclusive functional and genetic evidence.

NM_006379.5(SEMA3C):c.1858C>T (p.Arg620Ter)

Gene: SEMA3C (semaphorin 3C; minus strand). Cytogenetic location: 7q21.11.
Variant type: single nucleotide variant.
Coding change: c.1858C>T on transcript NM_006379.5 (MANE Select); coding-DNA position 1858, C replaced by T.
Protein change: p.Arg620Ter; replaces arginine 620 with a stop codon.
Molecular consequence: nonsense.
Genome position (GRCh38, 1-based): chr7:80,745,292, G>A on the plus strand (C>T on the coding strand, the complement: SEMA3C is on the minus strand). VCF-style: chr7-80745292-G-A. GRCh37 (hg19) VCF-style: chr7-80374608-G-A.
Other names: c.1912C>T, p.Arg638Ter (NM_001350120.2); c.1684C>T, p.Arg562Ter (NM_001350121.2); short protein forms R620*, R562*, R638*.
Identifiers: ClinVar variation 4978311 (VCV004978311.1).